The following is an entry in ClinVar:

NM_032242.4(PLXNA1):c.203T>G (p.Val68Gly)

Gene: PLXNA1 (plexin A1; plus strand). Cytogenetic location: 3q21.3.
Variant type: single nucleotide variant.
Coding change: c.203T>G on transcript NM_032242.4 (MANE Select); coding-DNA position 203, T replaced by G.
Protein change: p.Val68Gly; replaces valine 68 with glycine.
Molecular consequence: missense variant.
Genome position (GRCh38, 1-based): chr3:126,988,796, T>G. VCF-style: chr3-126988796-T-G. GRCh37 (hg19) VCF-style: chr3-126707639-T-G.
Other names: short protein forms V68G.
Identifiers: ClinVar variation 4999542 (VCV004999542.1).

ClinVar aggregate classification (germline): Uncertain significance (1 of 4 stars; one submission).

Conditions:
PLXNA1-related disorder. Also called: PLXNA1-related condition.

Submission:

PreventionGenetics, part of Exact Sciences
Classification: Uncertain significance for PLXNA1-related condition. Last evaluated: 2024-10-17. Review status: criteria provided, single submitter. Criteria: ACMG Guidelines, 2015. Collection method: clinical testing. Allele origin: germline.
Comment: The PLXNA1 c.203T>G variant is predicted to result in the amino acid substitution p.Val68Gly. To our knowledge, this variant has not been reported in the literature or in a large population database (gnomAD), indicating this variant is rare. At this time, the clinical significance of this variant is uncertain due to the absence of conclusive functional and genetic evidence.